The following is an entry in ClinVar:

ClinVar aggregate classification (germline): Uncertain significance (1 of 4 stars; one submission).

Submission:

Ambry Genetics
Classification: Uncertain significance. Last evaluated: 2024-08-18. Review status: criteria provided, single submitter. Criteria: Ambry Variant Classification Scheme 2023. Collection method: clinical testing. Allele origin: germline.
Comment: The p.I532M variant (also known as c.1596A>G), located in coding exon 10 of the POLQ gene, results from an A to G substitution at nucleotide position 1596. The isoleucine at codon 532 is replaced by methionine, an amino acid with highly similar properties. This amino acid position is conserved. In addition, this alteration is predicted to be tolerated by in silico analysis. Based on the available evidence, the clinical significance of this variant remains unclear.

NM_199420.4(POLQ):c.1596A>G (p.Ile532Met)

Gene: POLQ (DNA polymerase theta; minus strand). Cytogenetic location: 3q13.33.
Variant type: single nucleotide variant.
Coding change: c.1596A>G on transcript NM_199420.4 (MANE Select); coding-DNA position 1596, A replaced by G.
Protein change: p.Ile532Met; replaces isoleucine 532 with methionine.
Molecular consequence: missense variant.
Genome position (GRCh38, 1-based): chr3:121,511,902, T>C on the plus strand (A>G on the coding strand, the complement: POLQ is on the minus strand). VCF-style: chr3-121511902-T-C. GRCh37 (hg19) VCF-style: chr3-121230749-T-C.
Other names: short protein forms I532M.
Identifiers: ClinVar variation 3422500 (VCV003422500.1).
Genomic context (GRCh38, chr3:121,511,902, plus strand): 5'-TTAGGCATAAAAGAGCAAATGGTAATTTAGTAAATTCTCTCTTACCTCCAGAATAGCTCG[T>C]ATCATGCTGCCAGTTACTTCTTCTCCTTCTCGTCTTTGCAGACAGCTGCGAACAGGCTTT-3'
Protein context (NP_955452.3, residues 522-542): REGEEVTGSM[Ile532Met]RAILEIIVGG